The following is an entry in ClinVar:

NM_033116.6(NEK9):c.1794dup (p.Ile599fs)

Gene: NEK9 (NIMA related kinase 9; minus strand). Cytogenetic location: 14q24.3.
Variant type: Duplication.
Coding change: c.1794dup on transcript NM_033116.6 (MANE Select); coding-DNA position 1794, one base duplicated (G; older notation c.1794dupG).
Protein change: p.Ile599fs; shifts the reading frame from isoleucine 599.
Molecular consequence: frameshift variant.
Genome position (GRCh38, 1-based): chr14:75,101,703, C duplicated on the plus strand (G on the coding strand, the reverse complement: NEK9 is on the minus strand). VCF-style (leftmost placement, unchanged base first): chr14-75101702-T-TC. GRCh37 (hg19) VCF-style: chr14-75568405-T-TC.
Other names: c.1830dup, p.Ile611fs (NM_001329237.2); c.1440dup, p.Ile481fs (NM_001329238.2); short protein forms I481fs, I599fs, I611fs.
Identifiers: ClinVar variation 2060841 (VCV002060841.1), dbSNP rs764694597, ClinGen allele CA7276846.
Genomic context (GRCh38, chr14:75,101,702, plus strand): 5'-TGTAAATCAACTTACCATCAATAGCAGCTGTGTGAGTCTTGCCTGGGGCAATGGTACGGA[T>TC]CTTATAAAAGGACAACTGTTTGGCCAAGGTAAAGGACGTTGTGTAGGGAACTTCATGGTA-3'

ClinVar aggregate classification (germline): Pathogenic (1 of 4 stars; one submission).

Allele frequency attached by ClinVar (database versions not stated): gnomAD 0.00001; gnomAD exomes 0.00002; TOPMed 0.00002; ExAC 0.00004.

Submission:

Labcorp Genetics (formerly Invitae), Labcorp
Classification: Pathogenic. Last evaluated: 2022-07-05. Review status: criteria provided, single submitter. Criteria: Invitae Variant Classification Sherloc (09022015). Collection method: clinical testing. Allele origin: germline.
Comment: This sequence change creates a premature translational stop signal (p.Ile611Aspfs*15) in the NEK9 gene. It is expected to result in an absent or disrupted protein product. Loss-of-function variants in NEK9 are known to be pathogenic (PMID: 26908619, 29096039). This variant is present in population databases (rs764694597, gnomAD 0.1%). This variant has not been reported in the literature in individuals affected with NEK9-related conditions. For these reasons, this variant has been classified as Pathogenic.

Literature cited by the submitters: PubMed 26908619; PubMed 29096039.